The following is an entry in ClinVar:

NM_000937.5(POLR2A):c.5099C>T (p.Ser1700Leu)

Gene: POLR2A (RNA polymerase II subunit A; plus strand). Cytogenetic location: 17p13.1.
Variant type: single nucleotide variant.
Coding change: c.5099C>T on transcript NM_000937.5 (MANE Select); coding-DNA position 5099, C replaced by T.
Protein change: p.Ser1700Leu; replaces serine 1700 with leucine.
Molecular consequence: missense variant.
Genome position (GRCh38, 1-based): chr17:7,513,363, C>T. VCF-style: chr17-7513363-C-T. GRCh37 (hg19) VCF-style: chr17-7416682-C-T.
Other names: short protein forms S1700L.
Identifiers: ClinVar variation 2329641 (VCV002329641.3), dbSNP rs1020136721, ClinGen allele CA287431220.
Genomic context (GRCh38, chr17:7,513,363, plus strand): 5'-CCACTTCCCCTAGCTACTCGCCCACTTCCCCTAGCTACTCGCCAACGTCTCCCAGCTACT[C>T]GCCGACATCTCCCAGCTACTCGCCAACTTCACCCAGCTATTCTCCCACTTCTCCCAGCTA-3'
Protein context (NP_000928.1, residues 1690-1710): PSYSPTSPSY[Ser1700Leu]PTSPSYSPTS

ClinVar aggregate classification (germline): Uncertain significance. Review status: criteria provided, multiple submitters, no conflicts (2 of 4 stars). 2 submissions from 2 submitters: Uncertain significance (2). Last evaluated 2023-10-23.

Conditions:
Inborn genetic diseases. Identifiers: MedGen C0950123, MeSH D030342.
Neurodevelopmental disorder with hypotonia and variable intellectual and behavioral abnormalities. Identifiers: MedGen C5231423, MONDO:0032829, OMIM 618603.

Allele frequency attached by ClinVar (database versions not stated): gnomAD exomes below 0.00001; TOPMed below 0.00001.

Submissions (2):

Clinical Genomics Laboratory, Washington University in St. Louis
Classification: Uncertain significance for Neurodevelopmental disorder with hypotonia and variable intellectual and behavioral abnormalities. Last evaluated: 2023-10-23. Review status: criteria provided, single submitter. Criteria: ACMG Guidelines, 2015. Collection method: clinical testing. Allele origin: germline.
Comment: The POLR2A c.5099C>T (p.Ser1700Leu) variant, to our knowledge, has not been reported in the medical literature and is absent from the general population (gnomAD v.2.1.1), indicating it is not a common variant. Computational predictors are uncertain as to the impact of this variant on POLR2A function. This variant has been reported in the ClinVar database as a variant of uncertain significance by one submitter (ClinVar Variation ID: 2329641). Due to limited information, and based on ACMG/AMP guidelines for variant interpretation (Richards S et al., PMID: 25741868), the clinical significance of this variant is uncertain at this time.

Ambry Genetics
Classification: Uncertain significance for Inborn genetic diseases. Last evaluated: 2022-11-30. Review status: criteria provided, single submitter. Criteria: Ambry Variant Classification Scheme 2023. Collection method: clinical testing. Allele origin: germline.